The following is an entry in ClinVar:

ClinVar aggregate classification (germline): Benign/Likely benign. Review status: criteria provided, multiple submitters, no conflicts (2 of 4 stars). 9 submissions from 9 submitters: Benign (5); Likely benign (2). 2 of the submissions do not count toward it. Last evaluated 2026-05-08.

Conditions:
Iodotyrosyl coupling defect (TDH3). Also called: HYPOTHYROIDISM, CONGENITAL, DUE TO DYSHORMONOGENESIS, 3; THYROID HORMONOGENESIS, GENETIC DEFECT IN, 3. Identifiers: Orphanet 95716, MedGen C0342194, MONDO:0010135, OMIM 274700.

Allele frequency attached by ClinVar (database versions not stated): ExAC 0.50237; 1000 Genomes Project 0.52236; 1000 Genomes Project 30x 0.53623; gnomAD 0.58567 and 0.59881; TOPMed 0.59133; ESP Exome Variant Server 0.61472.
gnomAD v4.1: 846,600 of 1,613,940 alleles (52%); highest among the groups gnomAD compares: African/African-American, 79%; 228,035 homozygotes.

Submissions (9):

Women's Health and Genetics/Laboratory Corporation of America, LabCorp
Classification: Likely benign. Last evaluated: 2026-05-08. Review status: criteria provided, single submitter. Criteria: LabCorp Variant Classification Summary - May 2015. Collection method: clinical testing. Allele origin: germline.

Labcorp Genetics (formerly Invitae), Labcorp
Classification: Benign. Last evaluated: 2026-02-04. Review status: criteria provided, single submitter. Criteria: Invitae Variant Classification Sherloc (09022015). Collection method: clinical testing. Allele origin: germline.

Blueprint Genetics
Classification: Likely benign. Last evaluated: 2024-11-27. Review status: criteria provided, single submitter. Criteria: ACMG Guidelines, 2015. Collection method: clinical testing. Allele origin: germline.

Genome-Nilou Lab
Classification: Benign for Iodotyrosyl coupling defect. Last evaluated: 2021-09-10. Review status: criteria provided, single submitter. Criteria: ACMG Guidelines, 2015. Collection method: clinical testing. Allele origin: germline. Affected: no.

Illumina Laboratory Services, Illumina
Classification: Benign for Iodotyrosyl coupling defect. Last evaluated: 2018-01-12. Review status: criteria provided, single submitter. Criteria: ICSL Variant Classification Criteria 13 December 2019. Collection method: clinical testing. Allele origin: germline.
Comment: This variant was observed in the ICSL laboratory as part of a predisposition screen in an ostensibly healthy population. It had not been previously curated by ICSL or reported in the Human Gene Mutation Database (HGMD: prior to June 1st, 2018), and was therefore a candidate for classification through an automated scoring system. Utilizing variant allele frequency, disease prevalence and penetrance estimates, and inheritance mode, an automated score was calculated to assess if this variant is too frequent to cause the disease. Based on the score and internal cut-off values, a variant classified as benign is not then subjected to further curation. The score for this variant resulted in a classification of benign for this disease.

Breakthrough Genomics
Classification: Benign. Review status: criteria provided, single submitter. Criteria: ACMG Guidelines, 2015. Collection method: not provided. Allele origin: germline. Inheritance: Autosomal recessive inheritance. Affected: yes.

PreventionGenetics, part of Exact Sciences
Classification: Benign. Review status: criteria provided, single submitter. Criteria: ACMG Guidelines, 2015. Collection method: clinical testing. Allele origin: germline.

Clinical Genetics, Academic Medical Center
Classification: Benign. Review status: no assertion criteria provided. Collection method: clinical testing. Allele origin: germline. Affected: yes. Study: VKGL Data-share Consensus. Not counted in ClinVar's aggregate classification.

Diagnostic Laboratory, Department of Genetics, University Medical Center Groningen
Classification: Benign. Review status: no assertion criteria provided. Collection method: clinical testing. Allele origin: germline. Affected: yes. Study: VKGL Data-share Consensus. Not counted in ClinVar's aggregate classification.

NM_003235.5(TG):c.7501T>C (p.Trp2501Arg)

Genes: SLA (Src like adaptor; minus strand), TG (thyroglobulin; plus strand). Cytogenetic location: 8q24.22.
Variant type: single nucleotide variant.
Coding change: c.7501T>C on transcript NM_003235.5 (MANE Select); coding-DNA position 7501, T replaced by C.
Protein change: p.Trp2501Arg; replaces tryptophan 2501 with arginine.
Molecular consequence: missense variant. On other transcripts: intron variant (4).
Genome position (GRCh38, 1-based): chr8:133,096,302, T>C. VCF-style: chr8-133096302-T-C. GRCh37 (hg19) VCF-style: chr8-134108546-T-C.
Other names: c.-264+6251A>G (NM_001282965.2); c.11+6251A>G (NM_001282964.2, NM_001045557.3); c.-319+6251A>G (NM_001045556.3); short protein forms W2501R.
Identifiers: ClinVar variation 259001 (VCV000259001.17), dbSNP rs2069569, ClinGen allele CA4885662.
Genomic context (GRCh38, chr8:133,096,302, plus strand): 5'-CCTGTGATCGATGGCCACTTCCTCCGTGAGCCTCCAGCCAGAGCACTGAAGAGGTCTTTA[T>C]GGGTAGAGGTCGATCTGCTCATTGGGAGTTCTCAGGACGACGGGCTCATCAACAGAGCAA-3'
Protein context (NP_003226.4, residues 2491-2511): PPARALKRSL[Trp2501Arg]VEVDLLIGSS